The following is an entry in ClinVar:

NM_006545.5(NPRL2):c.279del (p.Lys94fs)

Gene: NPRL2 (NPR2 like, GATOR1 complex subunit; minus strand). Cytogenetic location: 3p21.31.
Variant type: Deletion.
Coding change: c.279del on transcript NM_006545.5 (MANE Select); coding-DNA position 279, one base deleted (C; older notation c.279delC).
Protein change: p.Lys94fs; shifts the reading frame from lysine 94.
Molecular consequence: frameshift variant.
Genome position (GRCh38, 1-based): chr3:50,349,725, G deleted on the plus strand (C on the coding strand, the reverse complement: NPRL2 is on the minus strand); the first of 2 consecutive G bases (chr3:50,349,725-50,349,726); deleting either gives the same sequence. VCF-style (leftmost placement, unchanged base first): chr3-50349724-TG-T. GRCh37 (hg19) VCF-style: chr3-50387155-TG-T.
Other names: short protein forms K94fs.
Identifiers: ClinVar variation 3407484 (VCV003407484.1).

ClinVar aggregate classification (germline): Pathogenic (1 of 4 stars; one submission).

Conditions:
Inborn genetic diseases. Identifiers: MedGen C0950123, MeSH D030342.

Submission:

Ambry Genetics
Classification: Pathogenic for Inborn genetic diseases. Last evaluated: 2024-09-17. Review status: criteria provided, single submitter. Criteria: Ambry Variant Classification Scheme 2023. Collection method: clinical testing. Allele origin: germline.
Comment: The c.279delC (p.K94Rfs*16) alteration, located in exon 3 (coding exon 3) of the NPRL2 gene, consists of a deletion of one nucleotide at position 279, causing a translational frameshift with a predicted alternate stop codon after 16 amino acids. This alteration is expected to result in loss of function by premature protein truncation or nonsense-mediated mRNA decay. This variant was not reported in population-based cohorts in the Genome Aggregation Database (gnomAD). Based on the available evidence, this alteration is classified as pathogenic.